The following is an entry in ClinVar:

NM_025179.4(PLXNA2):c.4661-3C>T

Gene: PLXNA2 (plexin A2; minus strand). Cytogenetic location: 1q32.2.
Variant type: single nucleotide variant.
Coding change: c.4661-3C>T on transcript NM_025179.4 (MANE Select); 3 bases into the intron before coding-DNA position 4661, C replaced by T.
Molecular consequence: intron variant.
Genome position (GRCh38, 1-based): chr1:208,038,477, G>A on the plus strand (C>T on the coding strand, the complement: PLXNA2 is on the minus strand). VCF-style: chr1-208038477-G-A. GRCh37 (hg19) VCF-style: chr1-208211822-G-A.
Identifiers: ClinVar variation 2970405 (VCV002970405.3), dbSNP rs771830329, ClinGen allele CA1372794.

ClinVar aggregate classification (germline): Uncertain significance (1 of 4 stars; one submission).

Allele frequency attached by ClinVar (database versions not stated): ExAC 0.00001; gnomAD 0.00001; gnomAD exomes below 0.00001; TOPMed below 0.00001.
gnomAD v4.1: 6 of 1,609,314 alleles (0.00037%); highest among the groups gnomAD compares: Non-Finnish European, 0.00051%; no homozygotes.

Submission:

Labcorp Genetics (formerly Invitae), Labcorp
Classification: Uncertain significance. Last evaluated: 2023-09-08. Review status: criteria provided, single submitter. Criteria: Invitae Variant Classification Sherloc (09022015). Collection method: clinical testing. Allele origin: germline.
Comment: In summary, the available evidence is currently insufficient to determine the role of this variant in disease. Therefore, it has been classified as a Variant of Uncertain Significance. Variants that disrupt the consensus splice site are a relatively common cause of aberrant splicing (PMID: 17576681, 9536098). Algorithms developed to predict the effect of sequence changes on RNA splicing suggest that this variant is not likely to affect RNA splicing. This variant has not been reported in the literature in individuals affected with PLXNA2-related conditions. This variant is present in population databases (rs771830329, gnomAD 0.0009%). This sequence change falls in intron 25 of the PLXNA2 gene. It does not directly change the encoded amino acid sequence of the PLXNA2 protein. It affects a nucleotide within the consensus splice site.

Literature cited by the submitters: PubMed 17576681; PubMed 9536098.